The following is an entry in ClinVar:

NM_138694.4(PKHD1):c.561G>A (p.Trp187Ter)

Gene: PKHD1 (PKHD1 ciliary IPT domain containing fibrocystin/polyductin; minus strand). Cytogenetic location: 6p12.2.
Variant type: single nucleotide variant.
Coding change: c.561G>A on transcript NM_138694.4 (MANE Select); coding-DNA position 561, G replaced by A.
Protein change: p.Trp187Ter; replaces tryptophan 187 with a stop codon.
Molecular consequence: nonsense.
Genome position (GRCh38, 1-based): chr6:52,072,156, C>T on the plus strand (G>A on the coding strand, the complement: PKHD1 is on the minus strand). VCF-style: chr6-52072156-C-T. GRCh37 (hg19) VCF-style: chr6-51936954-C-T.
Other names: c.561G>A, p.Trp187Ter (NM_170724.3); short protein forms W187*.
Identifiers: ClinVar variation 1704620 (VCV001704620.4), dbSNP rs2128231878, ClinGen allele CA364435187.

ClinVar aggregate classification (germline): Pathogenic/Likely pathogenic. Review status: criteria provided, multiple submitters, no conflicts (2 of 4 stars). 2 submissions from 2 submitters: Pathogenic (1); Likely pathogenic (1). Last evaluated 2023-08-14.

Conditions:
Autosomal recessive polycystic kidney disease (ARPKD). Also called: AR polycystic kidney disease. Identifiers: Orphanet 731, Orphanet 8378, MedGen C0085548, MeSH D017044, MONDO:0009889.

Submissions (2):

Labcorp Genetics (formerly Invitae), Labcorp
Classification: Pathogenic for Autosomal recessive polycystic kidney disease. Last evaluated: 2023-08-14. Review status: criteria provided, single submitter. Criteria: Invitae Variant Classification Sherloc (09022015). Collection method: clinical testing. Allele origin: germline.
Comment: For these reasons, this variant has been classified as Pathogenic. ClinVar contains an entry for this variant (Variation ID: 1704620). This variant has not been reported in the literature in individuals affected with PKHD1-related conditions. This variant is not present in population databases (gnomAD no frequency). This sequence change creates a premature translational stop signal (p.Trp187*) in the PKHD1 gene. It is expected to result in an absent or disrupted protein product. Loss-of-function variants in PKHD1 are known to be pathogenic (PMID: 19940839).

Women's Health and Genetics/Laboratory Corporation of America, LabCorp
Classification: Likely pathogenic for Autosomal recessive polycystic kidney disease. Last evaluated: 2022-07-18. Review status: criteria provided, single submitter. Criteria: LabCorp Variant Classification Summary - May 2015. Collection method: clinical testing. Allele origin: germline.
Comment: Variant summary: PKHD1 c.561G>A (p.Trp187X) results in a premature termination codon, predicted to cause a truncation of the encoded protein or absence of the protein due to nonsense mediated decay, which are commonly known mechanisms for disease. Truncations downstream of this position have been classified as pathogenic by our laboratory. The variant was absent in 251132 control chromosomes. To our knowledge, no occurrence of c.561G>A in individuals affected with Polycystic Kidney And Hepatic Disease and no experimental evidence demonstrating its impact on protein function have been reported. No clinical diagnostic laboratories have submitted clinical-significance assessments for this variant to ClinVar after 2014. Based on the evidence outlined above, the variant was classified as likely pathogenic.

Literature cited by the submitters: PubMed 19940839 (cited by Labcorp Genetics (formerly Invitae), Labcorp).